The following is an entry in ClinVar:

ClinVar aggregate classification (germline): Uncertain significance. Review status: criteria provided, multiple submitters, no conflicts (2 of 4 stars). 2 submissions from 2 submitters: Uncertain significance (2). Last evaluated 2026-07-01.

Conditions:
GREB1L-related disorder. Also called: GREB1L-related condition.

Allele frequency attached by ClinVar (database versions not stated): gnomAD 0.00001; TOPMed 0.00003.
gnomAD v4.1: 136 of 1,550,636 alleles (0.0088%); highest among the groups gnomAD compares: Middle Eastern, 0.05%; no homozygotes.

Submissions (2):

PreventionGenetics, part of Exact Sciences
Classification: Uncertain significance for GREB1L-related condition. Last evaluated: 2026-07-01. Review status: criteria provided, single submitter. Criteria: ACMG Guidelines, 2015. Collection method: clinical testing. Allele origin: germline.
Comment: The GREB1L c.3020C>T variant is predicted to result in the amino acid substitution p.Ala1007Val. To our knowledge, this variant has not been reported in the literature. This variant is reported in 0.0055% of alleles in individuals of European (Non-Finnish) descent in gnomAD. At this time, the clinical significance of this variant is uncertain due to the absence of conclusive functional and genetic evidence.

Labcorp Genetics (formerly Invitae), Labcorp
Classification: Uncertain significance. Last evaluated: 2022-12-31. Review status: criteria provided, single submitter. Criteria: Invitae Variant Classification Sherloc (09022015). Collection method: clinical testing. Allele origin: germline.
Comment: This variant has not been reported in the literature in individuals affected with GREB1L-related conditions. In summary, the available evidence is currently insufficient to determine the role of this variant in disease. Therefore, it has been classified as a Variant of Uncertain Significance. Algorithms developed to predict the effect of missense changes on protein structure and function are either unavailable or do not agree on the potential impact of this missense change (SIFT: "Not Available"; PolyPhen-2: "Benign"; Align-GVGD: "Not Available"). This variant is present in population databases (rs202059916, gnomAD 0.004%). This sequence change replaces alanine, which is neutral and non-polar, with valine, which is neutral and non-polar, at codon 1007 of the GREB1L protein (p.Ala1007Val).

NM_001142966.3(GREB1L):c.3020C>T (p.Ala1007Val)

Gene: GREB1L (GREB1 like retinoic acid receptor coactivator; plus strand). Cytogenetic location: 18q11.1.
Variant type: single nucleotide variant.
Coding change: c.3020C>T on transcript NM_001142966.3 (MANE Select); coding-DNA position 3020, C replaced by T.
Protein change: p.Ala1007Val; replaces alanine 1007 with valine.
Molecular consequence: missense variant.
Genome position (GRCh38, 1-based): chr18:21,490,341, C>T. VCF-style: chr18-21490341-C-T. GRCh37 (hg19) VCF-style: chr18-19070302-C-T.
Other names: c.3020C>T (NM_001142966.1); c.3149C>T, p.Ala1050Val (NM_001410867.1); c.2693C>T, p.Ala898Val (NM_001410868.1); short protein forms A1050V, A1007V, A898V.
Identifiers: ClinVar variation 2898112 (VCV002898112.4), dbSNP rs202059916, ClinGen allele CA296941832.